The following is an entry in ClinVar:

ClinVar aggregate classification (germline): Uncertain significance (1 of 4 stars; one submission).

Conditions:
Intellectual developmental disorder, autosomal dominant 52. Also called: Intellectual disability, autosomal dominant 52; Mental retardation, autosomal dominant 52. Identifiers: MedGen C4540478, MONDO:0030918, OMIM 617796.

gnomAD v4.1: 1 of 1,614,086 alleles (0.000062%); highest among the groups gnomAD compares: African/African-American, 0.0013%; no homozygotes.

Submission:

Juno Genomics, Hangzhou Juno Genomics, Inc
Classification: Uncertain significance for Intellectual developmental disorder, autosomal dominant 52. Review status: criteria provided, single submitter. Criteria: ACMG Guidelines, 2015. Collection method: clinical testing. Allele origin: germline.
Comment: Absent from controls (or at extremely low frequency if recessive) in Genome Aggregation Database.;Missense variant in a gene that has a low rate of benign missense variation.;Multiple lines of computational evidence support a deleterious effect on the gene or gene product.

NM_018489.3(ASH1L):c.6500T>C (p.Ile2167Thr)

Gene: ASH1L (ASH1 like histone lysine methyltransferase; minus strand). Cytogenetic location: 1q22.
Variant type: single nucleotide variant.
Coding change: c.6500T>C on transcript NM_018489.3 (MANE Select); coding-DNA position 6500, T replaced by C.
Protein change: p.Ile2167Thr; replaces isoleucine 2167 with threonine.
Molecular consequence: missense variant.
Genome position (GRCh38, 1-based): chr1:155,370,816, A>G on the plus strand (T>C on the coding strand, the complement: ASH1L is on the minus strand). VCF-style: chr1-155370816-A-G. GRCh37 (hg19) VCF-style: chr1-155340607-A-G.
Other names: c.6515T>C, p.Ile2172Thr (NM_001366177.2); short protein forms I2172T, I2167T.
Identifiers: ClinVar variation 5007862 (VCV005007862.2).